The following is an entry in ClinVar:

NM_001040108.2(MLH3):c.1852A>T (p.Thr618Ser)

Gene: MLH3 (mutL homolog 3; minus strand). Cytogenetic location: 14q24.3.
Variant type: single nucleotide variant.
Coding change: c.1852A>T on transcript NM_001040108.2 (MANE Select); coding-DNA position 1852, A replaced by T.
Protein change: p.Thr618Ser; replaces threonine 618 with serine.
Molecular consequence: missense variant.
Genome position (GRCh38, 1-based): chr14:75,047,804, T>A on the plus strand (A>T on the coding strand, the complement: MLH3 is on the minus strand). VCF-style: chr14-75047804-T-A. GRCh37 (hg19) VCF-style: chr14-75514507-T-A.
Other names: c.1852A>T, p.Thr618Ser (NM_014381.3); short protein forms T618S.
Identifiers: ClinVar variation 2625674 (VCV002625674.2), dbSNP rs2503284916, ClinGen allele CA390444019.

ClinVar aggregate classification (germline): Uncertain significance (1 of 4 stars; one submission).

Submission:

Ambry Genetics
Classification: Uncertain significance. Last evaluated: 2023-09-06. Review status: criteria provided, single submitter. Criteria: Ambry Variant Classification Scheme 2023. Collection method: clinical testing. Allele origin: germline.
Comment: The p.T618S variant (also known as c.1852A>T), located in coding exon 1 of the MLH3 gene, results from an A to T substitution at nucleotide position 1852. The threonine at codon 618 is replaced by serine, an amino acid with similar properties. This amino acid position is conserved. In addition, this alteration is predicted to be tolerated by in silico analysis. Since supporting evidence is limited at this time, the clinical significance of this alteration remains unclear.